The following is an entry in ClinVar:

NM_000198.4(HSD3B2):c.681C>T (p.Asn227=)

Gene: HSD3B2 (hydroxy-delta-5-steroid dehydrogenase, 3 beta- and steroid delta-isomerase 2; plus strand). Cytogenetic location: 1p12.
Variant type: single nucleotide variant.
Coding change: c.681C>T on transcript NM_000198.4 (MANE Select); coding-DNA position 681, C replaced by T.
Protein change: p.Asn227=; no amino-acid change (asparagine 227 retained).
Molecular consequence: synonymous variant.
Genome position (GRCh38, 1-based): chr1:119,422,182, C>T. VCF-style: chr1-119422182-C-T. GRCh37 (hg19) VCF-style: chr1-119964805-C-T.
Other names: c.681C>T, p.Asn227= (NM_001166120.2).
Identifiers: ClinVar variation 729296 (VCV000729296.22), dbSNP rs587675471, ClinGen allele CA1036021.
Genomic context (GRCh38, chr1:119,422,182, plus strand): 5'-CAATGGGATCCTGTCAAGTGTTGGAAAGTTCTCTACAGTCAACCCAGTCTATGTTGGCAA[C>T]GTGGCCTGGGCCCACATTCTGGCCTTGAGGGCTCTGCGGGACCCCAAGAAGGCCCCAAGT-3'
Protein context (NP_000189.1, residues 217-237): FSTVNPVYVG[Asn227=]VAWAHILALR

ClinVar aggregate classification (germline): Benign/Likely benign. Review status: criteria provided, multiple submitters, no conflicts (2 of 4 stars). 5 submissions from 5 submitters: Benign (1); Likely benign (3). 1 of the submissions does not count toward it. Last evaluated 2026-01-23.

Conditions:
3 beta-Hydroxysteroid dehydrogenase deficiency. Also called: Congenital adrenal hyperplasia due to 3-beta-hydroxysteroid dehydrogenase deficiency; 3b-hydroxysteroid dehydrogenase deficiency; ADRENAL HYPERPLASIA, CONGENITAL, DUE TO 3-BETA-HYDROXYSTEROID DEHYDROGENASE 2 DEFICIENCY; 3-BETA-HSD DEFICIENCY; ADRENAL HYPERPLASIA II. Identifiers: Orphanet 90791, MedGen C0342471, MeSH C538236, MONDO:0008727, OMIM 201810. Disease mechanism: loss of function.

Allele frequency attached by ClinVar (database versions not stated): gnomAD exomes 0.00009 and 0.00032; gnomAD 0.00011 and 0.00019; TOPMed 0.00016; ExAC 0.00069; 1000 Genomes Project 0.00160; 1000 Genomes Project 30x 0.00187.
gnomAD v4.1: 164 of 1,613,544 alleles (0.01%); highest among the groups gnomAD compares: East Asian, 0.12%; 1 homozygote.

Submissions (5):

Labcorp Genetics (formerly Invitae), Labcorp
Classification: Benign. Last evaluated: 2026-01-23. Review status: criteria provided, single submitter. Criteria: Invitae Variant Classification Sherloc (09022015). Collection method: clinical testing. Allele origin: germline.

CeGaT Center for Human Genetics Tuebingen
Classification: Likely benign. Last evaluated: 2025-08-01. Review status: criteria provided, single submitter. Criteria: CeGaT Center For Human Genetics Tuebingen Variant Classification Criteria Version 2. Collection method: clinical testing. Allele origin: germline. Affected: yes. Observed: 1 variant allele.
Comment: HSD3B2: BP4, BP7

Blueprint Genetics
Classification: Likely benign. Last evaluated: 2024-10-28. Review status: criteria provided, single submitter. Criteria: ACMG Guidelines, 2015. Collection method: clinical testing. Allele origin: germline.

Fulgent Genetics
Classification: Likely benign for 3 beta-Hydroxysteroid dehydrogenase deficiency. Last evaluated: 2021-07-21. Review status: criteria provided, single submitter. Criteria: ACMG Guidelines, 2015. Collection method: clinical testing. Allele origin: unknown.

Natera, Inc.
Classification: Likely benign for 3 beta hydroxysteroid dehydrogenase deficiency. Last evaluated: 2019-10-24. Review status: no assertion criteria provided. Collection method: clinical testing. Allele origin: germline. Not counted in ClinVar's aggregate classification.